The following is an entry in ClinVar:

ClinVar aggregate classification (germline): Likely benign (1 of 4 stars; one submission).

Conditions:
CDAN1-related disorder. Also called: CDAN1-related condition.

Submission:

PreventionGenetics, part of Exact Sciences
Classification: Likely benign for CDAN1-related condition. Last evaluated: 2025-02-27. Review status: criteria provided, single submitter. Criteria: ACMG Guidelines, 2015. Collection method: clinical testing. Allele origin: germline.
Comment: This variant is classified as likely benign based on ACMG/AMP sequence variant interpretation guidelines (Richards et al. 2015 PMID: 25741868, with internal and published modifications).

NM_138477.4(CDAN1):c.2073C>A (p.Leu691=)

Gene: CDAN1 (codanin 1; minus strand). Cytogenetic location: 15q15.2.
Variant type: single nucleotide variant.
Coding change: c.2073C>A on transcript NM_138477.4 (MANE Select); coding-DNA position 2073, C replaced by A.
Protein change: p.Leu691=; no amino-acid change (leucine 691 retained).
Molecular consequence: synonymous variant.
Genome position (GRCh38, 1-based): chr15:42,730,699, G>T on the plus strand (C>A on the coding strand, the complement: CDAN1 is on the minus strand). VCF-style: chr15-42730699-G-T. GRCh37 (hg19) VCF-style: chr15-43022897-G-T.
Identifiers: ClinVar variation 4983556 (VCV004983556.1).